The following is an entry in ClinVar:

ClinVar aggregate classification (germline): Uncertain significance. Review status: criteria provided, multiple submitters, no conflicts (2 of 4 stars). 4 submissions from 4 submitters: Uncertain significance (3). 1 of the submissions does not count toward it. Last evaluated 2022-09-29.

Conditions:
Nemaline myopathy 2 (NEM2). Also called: Nemaline myopathy 2, autosomal recessive. Identifiers: MedGen C1850569, MONDO:0009725, OMIM 256030.
NEB-related disorder. Also called: NEB-Related Disorders; NEB-related condition.

Allele frequency attached by ClinVar (database versions not stated): 1000 Genomes Project 0.00060; 1000 Genomes Project 30x 0.00062; gnomAD exomes 0.00002 and 0.00008; gnomAD 0.00036; ExAC 0.00038.

Submissions (4):

PreventionGenetics, part of Exact Sciences
Classification: Uncertain significance for NEB-related condition. Last evaluated: 2022-09-29. Review status: criteria provided, single submitter. Criteria: ACMG Guidelines, 2015. Collection method: clinical testing. Allele origin: germline.
Comment: The NEB c.12688A>G variant is predicted to result in the amino acid substitution p.Ile4230Val. To our knowledge, this variant has not been reported in the literature. This variant is reported in 0.086% of alleles in individuals of African descent in gnomAD, including three homozygous individuals. However, gnomAD warns that allele frequencies for this variant may be unreliable. This variant has been interpreted in ClinVar as both uncertain and likely benign. At this time, the clinical significance of this variant is uncertain due to the absence of conclusive functional and genetic evidence.

Revvity Omics, Revvity
Classification: Uncertain significance. Last evaluated: 2019-02-26. Review status: criteria provided, single submitter. Criteria: ACMG Guidelines, 2015. Collection method: clinical testing. Allele origin: germline.

Labcorp Genetics (formerly Invitae), Labcorp
Classification: Uncertain significance for Nemaline myopathy 2. Last evaluated: 2017-11-28. Review status: criteria provided, single submitter. Criteria: Invitae Variant Classification Sherloc (09022015). Collection method: clinical testing. Allele origin: germline.

Natera, Inc.
Classification: Likely benign for Nemaline myopathy type 2. Last evaluated: 2019-11-11. Review status: no assertion criteria provided. Collection method: clinical testing. Allele origin: germline. Not counted in ClinVar's aggregate classification.

NM_001164508.2(NEB):c.12688A>G (p.Ile4230Val)

Gene: NEB (nebulin; minus strand). Cytogenetic location: 2q23.3.
Variant type: single nucleotide variant.
Coding change: c.12688A>G on transcript NM_001164508.2 (MANE Select); coding-DNA position 12688, A replaced by G.
Protein change: p.Ile4230Val; replaces isoleucine 4230 with valine.
Molecular consequence: missense variant. On other transcripts: intron variant (1).
Genome position (GRCh38, 1-based): chr2:151,606,665, T>C on the plus strand (A>G on the coding strand, the complement: NEB is on the minus strand). VCF-style: chr2-151606665-T-C. GRCh37 (hg19) VCF-style: chr2-152463179-T-C.
Other names: c.12688A>G, p.Ile4230Val (NM_001164507.2, NM_001271208.2); c.11601+3144A>G (NM_004543.5); short protein forms I4230V.
Identifiers: ClinVar variation 534078 (VCV000534078.9), dbSNP rs532986882, ClinGen allele CA1908517.
Genomic context (GRCh38, chr2:151,606,665, plus strand): 5'-CCTCACTGGCAATTTCTCTGGAGGCCTTGGCGTGCTTGATTTCAATGGCATCTGCCCTTA[T>C]GTCATAGCCTTTCTGCTTGGCGTCATTCCAGTCTTTTTGGTAGAGTTTCTATAGAGGGAA-3'
Protein context (NP_001157980.2, residues 4220-4240): WNDAKQKGYD[Ile4230Val]RADAIEIKHA